The following is an entry in ClinVar:

NM_033453.4(ITPA):c.284del (p.Lys94_Leu95insTer)

Gene: ITPA (inosine triphosphatase; plus strand). Cytogenetic location: 20p13.
Variant type: Deletion.
Coding change: c.284del on transcript NM_033453.4 (MANE Select); coding-DNA position 284, one base deleted (T; older notation c.284delT).
Protein change: p.Lys94_Leu95insTer.
Molecular consequence: nonsense. On other transcripts: 5 prime UTR variant (4), non-coding transcript variant (2).
Genome position (GRCh38, 1-based): chr20:3,215,301, T deleted; the last of 2 consecutive T bases (chr20:3,215,300-3,215,301); deleting either gives the same sequence. VCF-style (leftmost placement, unchanged base first): chr20-3215299-GT-G. GRCh37 (hg19) VCF-style: chr20-3195945-GT-G.
Other names: c.161del, p.Lys53_Leu54insTer (NM_001267623.2); c.-54del (NM_001324236.2, NM_001324237.2, NM_001324238.2 and 1 more transcripts); c.284del, p.Lys94_Leu95insTer (NM_001324240.2, NM_001424408.1); c.410del, p.Lys136_Leu137insTer (NM_001424409.1); c.233del, p.Lys77_Leu78insTer (NM_181493.4).
Identifiers: ClinVar variation 2808287 (VCV002808287.3), dbSNP rs2514437642, ClinGen allele CA2739277016.
Genomic context (GRCh38, chr20:3,215,299, plus strand): 5'-CAGCTGCTCCTGGTGTCTGACTGTCCTTTCTTTCTCTTGCAGAAAGTGGTTTCTGGAGAA[GT>G]TAAAGCCTGAAGGTATTATCTGCTTTGTTTCTTCCCTGGATCTGTTGGGAATGAGAATCT-3'

ClinVar aggregate classification (germline): Pathogenic (1 of 4 stars; one submission).

Conditions:
Inosine triphosphatase deficiency. Also called: INOSINE TRIPHOSPHATE PYROPHOSPHOHYDROLASE DEFICIENCY. Identifiers: MedGen C0342800, MONDO:0013461, OMIM 613850.

Submission:

Labcorp Genetics (formerly Invitae), Labcorp
Classification: Pathogenic for Inosine triphosphatase deficiency. Last evaluated: 2022-10-19. Review status: criteria provided, single submitter. Criteria: Invitae Variant Classification Sherloc (09022015). Collection method: clinical testing. Allele origin: germline.
Comment: This variant has not been reported in the literature in individuals affected with ITPA-related conditions. For these reasons, this variant has been classified as Pathogenic. This variant is not present in population databases (gnomAD no frequency). This sequence change creates a premature translational stop signal (p.Leu95*) in the ITPA gene. It is expected to result in an absent or disrupted protein product. Loss-of-function variants in ITPA are known to be pathogenic (PMID: 26224535).

Literature cited by the submitters: PubMed 26224535.